The following is an entry in ClinVar:

ClinVar aggregate classification (germline): Pathogenic (1 of 4 stars; one submission).

Conditions:
Joubert syndrome. Also called: Familial aplasia of the vermis; CEREBELLOPARENCHYMAL DISORDER IV; JOUBERT-BOLTSHAUSER SYNDROME. Identifiers: Orphanet 475, MedGen C5979921, MONDO:0018772.
Meckel-Gruber syndrome. Also called: Dysencephalia splachnocystica; DYSENCEPHALIA SPLANCHNOCYSTICA; GRUBER SYNDROME. Identifiers: Orphanet 564, MedGen C0265215, MONDO:0018921.

Submission:

Labcorp Genetics (formerly Invitae), Labcorp
Classification: Pathogenic for Joubert syndrome; Meckel-Gruber syndrome. Last evaluated: 2022-04-28. Review status: criteria provided, single submitter. Criteria: Invitae Variant Classification Sherloc (09022015). Collection method: clinical testing. Allele origin: germline.
Comment: This sequence change creates a premature translational stop signal (p.Gln141*) in the RPGRIP1L gene. It is expected to result in an absent or disrupted protein product. Loss-of-function variants in RPGRIP1L are known to be pathogenic (PMID: 17558409). For these reasons, this variant has been classified as Pathogenic. ClinVar contains an entry for this variant (Variation ID: 1074159). This variant has not been reported in the literature in individuals affected with RPGRIP1L-related conditions. This variant is not present in population databases (gnomAD no frequency).

Literature cited by the submitters: PubMed 17558409.

NM_015272.5(RPGRIP1L):c.421C>T (p.Gln141Ter)

Gene: RPGRIP1L (RPGRIP1 like; minus strand). Cytogenetic location: 16q12.2.
Variant type: single nucleotide variant.
Coding change: c.421C>T on transcript NM_015272.5 (MANE Select); coding-DNA position 421, C replaced by T.
Protein change: p.Gln141Ter; replaces glutamine 141 with a stop codon.
Molecular consequence: nonsense.
Genome position (GRCh38, 1-based): chr16:53,692,174, G>A on the plus strand (C>T on the coding strand, the complement: RPGRIP1L is on the minus strand). VCF-style: chr16-53692174-G-A. GRCh37 (hg19) VCF-style: chr16-53726086-G-A.
Other names: c.421C>T, p.Gln141Ter (NM_001127897.4, NM_001308334.3, NM_001330538.2); short protein forms Q141*.
Identifiers: ClinVar variation 1074159 (VCV001074159.10), dbSNP rs2151352275, ClinGen allele CA395924845.